The following is an entry in ClinVar:

NM_001270.4(CHD1):c.242T>C (p.Val81Ala)

Genes: CHD1 (chromodomain helicase DNA binding protein 1; minus strand), LOC126807465 (P300/CBP strongly-dependent group 1 enhancer GRCh37_chr5:98240158-98241357; plus strand). Cytogenetic location: 5q21.1.
Variant type: single nucleotide variant.
Coding change: c.242T>C on transcript NM_001270.4 (MANE Select); coding-DNA position 242, T replaced by C.
Protein change: p.Val81Ala; replaces valine 81 with alanine.
Molecular consequence: missense variant. On other transcripts: non-coding transcript variant (2).
Genome position (GRCh38, 1-based): chr5:98,904,910, A>G on the plus strand (T>C on the coding strand, the complement: CHD1 is on the minus strand). VCF-style: chr5-98904910-A-G. GRCh37 (hg19) VCF-style: chr5-98240614-A-G.
Other names: c.242T>C, p.Val81Ala (NM_001364113.3, NM_001376194.2); short protein forms V81A.
Identifiers: ClinVar variation 1033800 (VCV001033800.1), dbSNP rs1272912081, ClinGen allele CA360523919.
Genomic context (GRCh38, chr5:98,904,910, plus strand): 5'-AAAGTAATACAAGCAATCTACCTTTCATTGGGTATTTTATTGATTACCTCAGCTCCATCA[A>G]CTTTCGGTGGTTTTGCTTGAACTTTGTTTTCTCGGGAAGTGTCTGACTCAGACTCTGACT-3'
Protein context (NP_001261.2, residues 71-91): ENKVQAKPPK[Val81Ala]DGAEFWKSSP

ClinVar aggregate classification (germline): Uncertain significance (1 of 4 stars; one submission).

Conditions:
Pilarowski-Bjornsson syndrome. Also called: DEVELOPMENTAL DELAY AND SPEECH APRAXIA WITH OR WITHOUT SEIZURES. Identifiers: Orphanet 529965, MedGen C4540131, MONDO:0060568, OMIM 617682.

Allele frequency attached by ClinVar (database versions not stated): gnomAD exomes below 0.00001.
gnomAD v4.1: 3 of 1,613,808 alleles (0.00019%); highest among the groups gnomAD compares: Admixed American, 0.0017%; no homozygotes.

Submission:

Baylor Genetics
Classification: Uncertain significance for Pilarowski-Bjornsson syndrome. Last evaluated: 2018-03-27. Review status: criteria provided, single submitter. Criteria: ACMG Guidelines, 2015. Collection method: clinical testing. Allele origin: paternal. Affected: yes.
Comment: This variant was determined to be of uncertain significance according to ACMG Guidelines, 2015 [PMID:25741868].